The following is an entry in ClinVar:

ClinVar aggregate classification (germline): Likely benign. Review status: criteria provided, multiple submitters, no conflicts (2 of 4 stars). 3 submissions from 3 submitters: Likely benign (3). Last evaluated 2023-02-24.

Conditions:
RYR1-related disorder. Also called: RYR1-related disorders; RYR1-related condition. Identifiers: MedGen CN239331.
Malignant hyperthermia, susceptibility to, 1 (MHS1). Also called: RYR1-Related Malignant Hyperthermia Susceptibility; Malignant hyperthermia suceptibility 1; Anesthesia related hyperthermia; Malignant hyperpyrexia; Fulminating hyperpyrexia; Pharmacogenic myopathy. Identifiers: Orphanet 423, MedGen C2930980, MONDO:0007783, OMIM 145600.

Allele frequency attached by ClinVar (database versions not stated): gnomAD exomes below 0.00001; TOPMed below 0.00001; gnomAD 0.00001.
gnomAD v4.1: 3 of 1,613,932 alleles (0.00019%); highest among the groups gnomAD compares: Non-Finnish European, 0.00025%; no homozygotes.

Submissions (3):

All of Us Research Program, National Institutes of Health
Classification: Likely benign for Malignant hyperthermia, susceptibility to, 1. Last evaluated: 2023-02-24. Review status: criteria provided, single submitter. Criteria: ACMG Guidelines, 2015. Collection method: clinical testing. Allele origin: germline. Inheritance: Autosomal dominant inheritance. Observed: 1 variant allele, 1 heterozygote.
Comment: This study involves interpretation of variants in research participants for the purpose of population health screening. Participant phenotype was not available at the time of variant classification. Additional details can be found in publication PMID: 35346344, PMCID: PMC8962531

Color Diagnostics, LLC DBA Color Health
Classification: Likely benign for Malignant hyperthermia, susceptibility to, 1. Last evaluated: 2022-11-06. Review status: criteria provided, single submitter. Criteria: ACMG Guidelines, 2015. Collection method: clinical testing. Allele origin: germline.

Labcorp Genetics (formerly Invitae), Labcorp
Classification: Likely benign for RYR1-related disorder. Last evaluated: 2022-03-14. Review status: criteria provided, single submitter. Criteria: Invitae Variant Classification Sherloc (09022015). Collection method: clinical testing. Allele origin: germline.

NM_000540.3(RYR1):c.6465G>C (p.Leu2155=)

Gene: RYR1 (ryanodine receptor 1; plus strand). Cytogenetic location: 19q13.2.
Variant type: single nucleotide variant.
Coding change: c.6465G>C on transcript NM_000540.3 (MANE Select); coding-DNA position 6465, G replaced by C.
Protein change: p.Leu2155=; no amino-acid change (leucine 2155 retained).
Molecular consequence: synonymous variant.
Genome position (GRCh38, 1-based): chr19:38,494,542, G>C. VCF-style: chr19-38494542-G-C. GRCh37 (hg19) VCF-style: chr19-38985182-G-C.
Other names: c.6465G>C, p.Leu2155= (NM_001042723.2).
Identifiers: ClinVar variation 2187012 (VCV002187012.5), dbSNP rs1283384946, ClinGen allele CA507242405.
Genomic context (GRCh38, chr19:38,494,542, plus strand): 5'-GCGTGCCCTGCCGCGGGCGTACACCATCTCACCGTCCTCCGTGGAAGACACCATGAGCCT[G>C]CTCGAGTGCCTCGGCCAGATCCGCTCGCTGCTCATCGTGCAGATGGGCCCCCAGGAGGAG-3'
Protein context (NP_000531.2, residues 2145-2165): SPSSVEDTMS[Leu2155=]LECLGQIRSL